The following is an entry in ClinVar:

ClinVar aggregate classification (germline): Uncertain significance (1 of 4 stars; one submission).

Submission:

GeneDx
Classification: Uncertain significance. Last evaluated: 2025-02-13. Review status: criteria provided, single submitter. Criteria: GeneDx Variant Classification Process June 2021. Collection method: clinical testing. Allele origin: germline. Affected: yes.
Comment: Has not been previously published as pathogenic or benign to our knowledge; Not observed at significant frequency in large population cohorts (gnomAD); In silico analysis supports that this missense variant has a deleterious effect on protein structure/function

NM_001320752.2(STS):c.1133G>C (p.Arg378Pro)

Gene: STS (steroid sulfatase; plus strand). Cytogenetic location: Xp22.31.
Variant type: single nucleotide variant.
Coding change: c.1133G>C on transcript NM_001320752.2 (MANE Select); coding-DNA position 1133, G replaced by C.
Protein change: p.Arg378Pro; replaces arginine 378 with proline.
Molecular consequence: missense variant.
Genome position (GRCh38, 1-based): chrX:7,325,390, G>C. VCF-style: chrX-7325390-G-C. GRCh37 (hg19) VCF-style: chrX-7243431-G-C.
Other names: c.1133G>C, p.Arg378Pro (NM_000351.7, NM_001320753.2, NM_001320754.2); c.1169G>C, p.Arg390Pro (NM_001320750.3, NM_001320751.2); short protein forms R378P, R390P.
Identifiers: ClinVar variation 4075697 (VCV004075697.1).
Genomic context (GRCh38, chrX:7,325,390, plus strand): 5'-ATCTTTTAGGAGGAAAAGCAAACAACTGGGAAGGAGGTATCCGGGTTCCAGGCATCCTTC[G>C]TTGGCCCAGGGTGATACAGGCTGGCCAGAAGATTGATGAGCCCACTAGCAACATGGACAT-3'
Protein context (NP_001307681.2, residues 368-388): EGGIRVPGIL[Arg378Pro]WPRVIQAGQK